The following is an entry in ClinVar:

NM_001134707.2(SARDH):c.1527A>G (p.Gly509=)

Gene: SARDH (sarcosine dehydrogenase; minus strand). Cytogenetic location: 9q34.2.
Variant type: single nucleotide variant.
Coding change: c.1527A>G on transcript NM_001134707.2 (MANE Select); coding-DNA position 1527, A replaced by G.
Protein change: p.Gly509=; no amino-acid change (glycine 509 retained).
Molecular consequence: synonymous variant.
Genome position (GRCh38, 1-based): chr9:133,704,975, T>C on the plus strand (A>G on the coding strand, the complement: SARDH is on the minus strand). VCF-style: chr9-133704975-T-C. GRCh37 (hg19) VCF-style: chr9-136570097-T-C.
Other names: c.1527A>G, p.Gly509= (NM_007101.4).
Identifiers: ClinVar variation 4681933 (VCV004681933.5).
Genomic context (GRCh38, chr9:133,704,975, plus strand): 5'-TCCCAGCAGCACAGCCCAGCAGGCACTACTCACCGGAGCTGGGCCTCGGGGATGAAACCA[T>C]CCCGGTCGCTCCCAGCCATGCCGCTCCTGGAACACGCAGCCTTGTCCAAGGAGTTCCTGA-3'
Protein context (NP_001128179.1, residues 499-519): FQERHGWERP[Gly509=]WFHPRGPAPV

ClinVar aggregate classification (germline): Likely benign (1 of 4 stars; one submission).

gnomAD v4.1: 2 of 1,583,926 alleles (0.00013%); highest among the groups gnomAD compares: Admixed American, 0.0018%; no homozygotes.

Submission:

CeGaT Center for Human Genetics Tuebingen
Classification: Likely benign. Last evaluated: 2025-12-01. Review status: criteria provided, single submitter. Criteria: CeGaT Center For Human Genetics Tuebingen Variant Classification Criteria Version 2. Collection method: clinical testing. Allele origin: germline. Affected: yes. Observed: 1 variant allele.
Comment: SARDH: BP4, BP7